The following is an entry in ClinVar:

NM_000256.3(MYBPC3):c.1616T>G (p.Ile539Ser)

Gene: MYBPC3 (myosin binding protein C3; minus strand). Cytogenetic location: 11p11.2.
Variant type: single nucleotide variant.
Coding change: c.1616T>G on transcript NM_000256.3 (MANE Select); coding-DNA position 1616, T replaced by G.
Protein change: p.Ile539Ser; replaces isoleucine 539 with serine.
Molecular consequence: missense variant.
Genome position (GRCh38, 1-based): chr11:47,342,586, A>C on the plus strand (T>G on the coding strand, the complement: MYBPC3 is on the minus strand). VCF-style: chr11-47342586-A-C. GRCh37 (hg19) VCF-style: chr11-47364137-A-C.
Other names: short protein forms I539S.
Identifiers: ClinVar variation 1172302 (VCV001172302.6), dbSNP rs1158024707, ClinGen allele CA380324996.

ClinVar aggregate classification (germline): Uncertain significance. Review status: criteria provided, multiple submitters, no conflicts (2 of 4 stars). 2 submissions from 2 submitters: Uncertain significance (2). Last evaluated 2024-03-07.

Conditions:
Hypertrophic cardiomyopathy. Also called: HYPERTROPHIC MYOCARDIOPATHY. Identifiers: Orphanet 217569, MedGen C0007194, MeSH D002312, MONDO:0005045, HP:0001639.
Cardiomyopathy (CMYO). Also called: Cardiomyopathies. Identifiers: Orphanet 167848, MedGen C0878544, MONDO:0004994, HP:0001638. Inheritance: Various modes of inheritance.

Submissions (2):

Color Diagnostics, LLC DBA Color Health
Classification: Uncertain significance for Cardiomyopathy. Last evaluated: 2024-03-07. Review status: criteria provided, single submitter. Criteria: ACMG Guidelines, 2015. Collection method: clinical testing. Allele origin: germline.
Comment: This missense variant replaces isoleucine with serine at codon 539 of the MYBPC3 protein. Computational prediction suggests that this variant may not impact protein structure and function (internally defined REVEL score threshold <= 0.5, PMID: 27666373). To our knowledge, functional studies have not been reported for this variant. This variant has not been reported in individuals affected with cardiovascular disorders in the literature. This variant has not been identified in the general population by the Genome Aggregation Database (gnomAD). The available evidence is insufficient to determine the role of this variant in disease conclusively. Therefore, this variant is classified as a Variant of Uncertain Significance.

Labcorp Genetics (formerly Invitae), Labcorp
Classification: Uncertain significance for Hypertrophic cardiomyopathy. Last evaluated: 2023-09-26. Review status: criteria provided, single submitter. Criteria: Invitae Variant Classification Sherloc (09022015). Collection method: clinical testing. Allele origin: germline.
Comment: This variant has not been reported in the literature in individuals affected with MYBPC3-related conditions. In summary, the available evidence is currently insufficient to determine the role of this variant in disease. Therefore, it has been classified as a Variant of Uncertain Significance. An algorithm developed to predict the effect of missense changes on protein structure and function (PolyPhen-2) suggests that this variant is likely to be tolerated. ClinVar contains an entry for this variant (Variation ID: 1172302). This variant is not present in population databases (gnomAD no frequency). This sequence change replaces isoleucine, which is neutral and non-polar, with serine, which is neutral and polar, at codon 539 of the MYBPC3 protein (p.Ile539Ser).